The following is an entry in ClinVar:

ClinVar aggregate classification (germline): Pathogenic/Likely pathogenic. Review status: criteria provided, multiple submitters, no conflicts (2 of 4 stars). 3 submissions from 3 submitters: Pathogenic (1); Likely pathogenic (1). 1 of the submissions does not count toward it. Last evaluated 2024-08-14.

Conditions:
Menkes kinky-hair syndrome (MNK). Also called: Menkes Disease; Copper transport disease; Classic Menkes Disease. Identifiers: Orphanet 565, MedGen C0022716, MONDO:0010651, OMIM 309400.

Submissions (3):

Natera, Inc.
Classification: Likely pathogenic for Menkes kinky hair syndrome. Last evaluated: 2024-08-14. Review status: criteria provided, single submitter. Criteria: Natera Variant Classification Schema (03/2026). Collection method: clinical testing. Allele origin: germline.
Comment: The c.3943G>A variant in ATP7A is a missense variant predicted to cause substitution of glycine to arginine at amino acid 1315. This variant is rare in the general population with a frequency below the threshold expected for the associated phenotype(s). This variant has been observed in affected individual(s) with monoallelic occurrence (heterozygous/hemizygous) (PMID: 19429807). This variant has been identified in one or more affected individual with a phenotype highly consistent with the associated gene (PMID: 19429807). Functional studies show that this variant may disrupt protein function (PMID: 28389643). Computational prediction algorithms indicate this variant is likely to affect gene or protein function. Given the available evidence, this variant is classified as Likely Pathogenic.

Genetic Services Laboratory, University of Chicago
Classification: Pathogenic for Menkes disease. Last evaluated: 2013-02-08. Review status: criteria provided, single submitter. Criteria: ACMG Guidelines, 2007. Collection method: clinical testing. Allele origin: germline. Affected: yes.

Inherited Neuropathy Consortium Ii, University Of Miami
Classification: Uncertain significance for Menkes kinky-hair syndrome. Last evaluated: 2016-01-06. Review status: no assertion criteria provided. Collection method: literature only. Allele origin: germline. Affected: yes. Not counted in ClinVar's aggregate classification.

Literature cited by the submitters: PubMed 19429807 (cited by Natera, Inc.); PubMed 28389643 (cited by Natera, Inc.); PubMed 15981243 (cited by Inherited Neuropathy Consortium Ii, University Of Miami).

NM_000052.7(ATP7A):c.3943G>A (p.Gly1315Arg)

Gene: ATP7A (ATPase copper transporting alpha; plus strand). Cytogenetic location: Xq21.1.
Variant type: single nucleotide variant.
Coding change: c.3943G>A on transcript NM_000052.7 (MANE Select); coding-DNA position 3943, G replaced by A.
Protein change: p.Gly1315Arg; replaces glycine 1315 with arginine.
Molecular consequence: missense variant. On other transcripts: non-coding transcript variant (1).
Genome position (GRCh38, 1-based): chrX:78,042,726, G>A. VCF-style: chrX-78042726-G-A. GRCh37 (hg19) VCF-style: chrX-77298224-G-A.
Other names: c.3709G>A, p.Gly1237Arg (NM_001282224.2); c.3943G>A (NM_000052.6); short protein forms G1315R, G1237R.
Identifiers: ClinVar variation 210467 (VCV000210467.8), dbSNP rs797045390, ClinGen allele CA276980.
Genomic context (GRCh38, chrX:78,042,726, plus strand): 5'-CGGGTAGCAATGGTGGGAGATGGAATCAATGACTCCCCAGCTCTGGCAATGGCTAATGTG[G>A]GAATTGCTATTGGCACAGGCACAGATGTAGCCATTGAAGCAGCTGATGTGGTTTTGATAA-3'
Protein context (NP_000043.4, residues 1305-1325): DSPALAMANV[Gly1315Arg]IAIGTGTDVA